The following is an entry in ClinVar:

ClinVar aggregate classification (germline): Uncertain significance (1 of 4 stars; one submission).

Conditions:
Epilepsy. Also called: Seizure disorder. Identifiers: MedGen C0014544, MeSH D004827, MONDO:0005027.

Allele frequency attached by ClinVar (database versions not stated): TOPMed 0.00002; 1000 Genomes Project 30x 0.00031; gnomAD 0.00003; 1000 Genomes Project 0.00020.
gnomAD v4.1: 18 of 1,585,428 alleles (0.0011%); highest among the groups gnomAD compares: South Asian, 0.0035%; no homozygotes.

Submission:

Labcorp Genetics (formerly Invitae), Labcorp
Classification: Uncertain significance for Epilepsy. Last evaluated: 2023-06-03. Review status: criteria provided, single submitter. Criteria: Invitae Variant Classification Sherloc (09022015). Collection method: clinical testing. Allele origin: germline.
Comment: In summary, the available evidence is currently insufficient to determine the role of this variant in disease. Therefore, it has been classified as a Variant of Uncertain Significance. Algorithms developed to predict the effect of sequence changes on RNA splicing suggest that this variant may create or strengthen a splice site. An algorithm developed to predict the effect of missense changes on protein structure and function (PolyPhen-2) suggests that this variant is likely to be disruptive. ClinVar contains an entry for this variant (Variation ID: 1034430). This variant has not been reported in the literature in individuals affected with PIGQ-related conditions. This sequence change replaces alanine, which is neutral and non-polar, with valine, which is neutral and non-polar, at codon 266 of the PIGQ protein (p.Ala266Val). The frequency data for this variant in the population databases is considered unreliable, as metrics indicate poor data quality at this position in the gnomAD database.

NM_004204.5(PIGQ):c.797C>T (p.Ala266Val)

Gene: PIGQ (phosphatidylinositol glycan anchor biosynthesis class Q; plus strand). Cytogenetic location: 16p13.3.
Variant type: single nucleotide variant.
Coding change: c.797C>T on transcript NM_004204.5 (MANE Select); coding-DNA position 797, C replaced by T.
Protein change: p.Ala266Val; replaces alanine 266 with valine.
Molecular consequence: missense variant.
Genome position (GRCh38, 1-based): chr16:575,946, C>T. VCF-style: chr16-575946-C-T. GRCh37 (hg19) VCF-style: chr16-625946-C-T.
Other names: c.797C>T, p.Ala266Val (NM_148920.4); short protein forms A266V.
Identifiers: ClinVar variation 1034430 (VCV001034430.8), dbSNP rs528254518, ClinGen allele CA7779974.